The following is an entry in ClinVar:

NM_006218.4(PIK3CA):c.863T>C (p.Met288Thr)

Gene: PIK3CA (phosphatidylinositol-4,5-bisphosphate 3-kinase catalytic subunit alpha; plus strand). Cytogenetic location: 3q26.32.
Variant type: single nucleotide variant.
Coding change: c.863T>C on transcript NM_006218.4 (MANE Select); coding-DNA position 863, T replaced by C.
Protein change: p.Met288Thr; replaces methionine 288 with threonine.
Molecular consequence: missense variant.
Genome position (GRCh38, 1-based): chr3:179,203,593, T>C. VCF-style: chr3-179203593-T-C. GRCh37 (hg19) VCF-style: chr3-178921381-T-C.
Other names: short protein forms M288T.
Identifiers: ClinVar variation 1439258 (VCV001439258.7), dbSNP rs2108392669, ClinGen allele CA355279935.

ClinVar aggregate classification (germline): Uncertain significance. Review status: criteria provided, multiple submitters, no conflicts (2 of 4 stars). 2 submissions from 2 submitters: Uncertain significance (2). Last evaluated 2021-10-08.

Conditions:
Inborn genetic diseases. Identifiers: MedGen C0950123, MeSH D030342.
Cowden syndrome (CS). Also called: Cowden's disease; Cowden's syndrome; Cowden disease. Identifiers: Orphanet 201, MedGen C0018553, MONDO:0016063. Disease mechanism: gain of function.

Submissions (2):

Ambry Genetics
Classification: Uncertain significance for Inborn genetic diseases. Last evaluated: 2021-10-08. Review status: criteria provided, single submitter. Criteria: Ambry Variant Classification Scheme 2023. Collection method: clinical testing. Allele origin: germline.
Comment: The p.M288T variant (also known as c.863T>C), located in coding exon 4 of the PIK3CA gene, results from a T to C substitution at nucleotide position 863. The methionine at codon 288 is replaced by threonine, an amino acid with similar properties. This amino acid position is conserved. In addition, the in silico prediction for this alteration is inconclusive. Since supporting evidence is limited at this time, the clinical significance of this alteration remains unclear.

Labcorp Genetics (formerly Invitae), Labcorp
Classification: Uncertain significance for Cowden syndrome. Last evaluated: 2021-08-27. Review status: criteria provided, single submitter. Criteria: Invitae Variant Classification Sherloc (09022015). Collection method: clinical testing. Allele origin: germline.
Comment: This sequence change replaces methionine with threonine at codon 288 of the PIK3CA protein (p.Met288Thr). The methionine residue is highly conserved and there is a moderate physicochemical difference between methionine and threonine. This variant is not present in population databases (ExAC no frequency). This variant has not been reported in the literature in individuals affected with PIK3CA-related conditions. Advanced modeling of protein sequence and biophysical properties (such as structural, functional, and spatial information, amino acid conservation, physicochemical variation, residue mobility, and thermodynamic stability) performed at Invitae indicates that this missense variant is not expected to disrupt PIK3CA protein function. In summary, the available evidence is currently insufficient to determine the role of this variant in disease. Therefore, it has been classified as a Variant of Uncertain Significance.